The following is an entry in ClinVar:

ClinVar aggregate classification (germline): Likely benign (1 of 4 stars; one submission).

Submission:

GeneDx
Classification: Likely benign. Last evaluated: 2017-04-26. Review status: criteria provided, single submitter. Criteria: GeneDx Variant Classification (06012015). Collection method: clinical testing. Allele origin: germline. Affected: yes.
Comment: This variant is considered likely benign or benign based on one or more of the following criteria: it is a conservative change, it occurs at a poorly conserved position in the protein, it is predicted to be benign by multiple in silico algorithms, and/or has population frequency not consistent with disease.

NM_014244.5(ADAMTS2):c.2458-19G>T

Gene: ADAMTS2 (ADAM metallopeptidase with thrombospondin type 1 motif 2; minus strand). Cytogenetic location: 5q35.3.
Variant type: single nucleotide variant.
Coding change: c.2458-19G>T on transcript NM_014244.5 (MANE Select); 19 bases into the intron before coding-DNA position 2458, G replaced by T.
Molecular consequence: intron variant.
Genome position (GRCh38, 1-based): chr5:179,128,137, C>A on the plus strand (G>T on the coding strand, the complement: ADAMTS2 is on the minus strand). VCF-style: chr5-179128137-C-A. GRCh37 (hg19) VCF-style: chr5-178555138-C-A.
Identifiers: ClinVar variation 509150 (VCV000509150.1), dbSNP rs1554124104, ClinGen allele CA658796699.